The following is an entry in ClinVar:

NM_001184.4(ATR):c.3343T>G (p.Ser1115Ala)

Gene: ATR (ATR serine/threonine kinase; minus strand). Cytogenetic location: 3q23.
Variant type: single nucleotide variant.
Coding change: c.3343T>G on transcript NM_001184.4 (MANE Select); coding-DNA position 3343, T replaced by G.
Protein change: p.Ser1115Ala; replaces serine 1115 with alanine.
Molecular consequence: missense variant.
Genome position (GRCh38, 1-based): chr3:142,547,739, A>C on the plus strand (T>G on the coding strand, the complement: ATR is on the minus strand). VCF-style: chr3-142547739-A-C. GRCh37 (hg19) VCF-style: chr3-142266581-A-C.
Other names: c.3151T>G, p.Ser1051Ala (NM_001354579.2); short protein forms S1051A, S1115A.
Identifiers: ClinVar variation 3462605 (VCV003462605.1).

ClinVar aggregate classification (germline): Uncertain significance (1 of 4 stars; one submission).

Conditions:
Inborn genetic diseases. Identifiers: MedGen C0950123, MeSH D030342.

Submission:

Ambry Genetics
Classification: Uncertain significance for Inborn genetic diseases. Last evaluated: 2024-09-02. Review status: criteria provided, single submitter. Criteria: Ambry Variant Classification Scheme 2023. Collection method: clinical testing. Allele origin: germline.
Comment: The p.S1115A variant (also known as c.3343T>G), located in coding exon 16 of the ATR gene, results from a T to G substitution at nucleotide position 3343. The serine at codon 1115 is replaced by alanine, an amino acid with similar properties. This amino acid position is conserved. In addition, this alteration is predicted to be tolerated by in silico analysis. Based on the available evidence, the clinical significance of this variant remains unclear.